The following is an entry in ClinVar:

NM_016356.5(DCDC2):c.1415_1416del (p.Tyr472fs)

Gene: DCDC2 (doublecortin domain containing 2; minus strand). Cytogenetic location: 6p22.3.
Variant type: Deletion.
Coding change: c.1415_1416del on transcript NM_016356.5 (MANE Select); coding-DNA positions 1415 to 1416, 2 bases deleted (AT; older notation c.1415_1416delAT).
Protein change: p.Tyr472fs; shifts the reading frame from tyrosine 472.
Molecular consequence: frameshift variant.
Genome position (GRCh38, 1-based): chr6:24,174,745-24,174,746, AT deleted on the plus strand (AT on the coding strand, the reverse complement: DCDC2 is on the minus strand); deleting any 2 consecutive bases within chr6:24,174,745-24,174,747 gives the same sequence; the c. name uses the placement nearest the transcript's 3' end. VCF-style (leftmost placement, unchanged base first): chr6-24174744-CAT-C. GRCh37 (hg19) VCF-style: chr6-24174972-CAT-C.
Other names: p.Tyr472Cysfs*9; c.1415_1416del, p.Tyr472fs (NM_001195610.2); short protein forms Y472fs.
Identifiers: ClinVar variation 4541105 (VCV004541105.1).
Genomic context (GRCh38, chr6:24,174,744, plus strand): 5'-CCCTTCATTTTTCTTGCGATCCATATACTCTCTTTTTAAAAATGTTCTAAGCCACGGCAG[CAT>C]AGTCCTTGTTTTGTTGGTTGTTTTCATTTTCTTCTGGACTGGTAATTTTTACTTCTGGCC-3'

ClinVar aggregate classification (germline): Uncertain significance (1 of 4 stars; one submission).

Submission:

Mayo Clinic Laboratories, Mayo Clinic
Classification: Uncertain significance. Last evaluated: 2024-12-10. Review status: criteria provided, single submitter. Criteria: ACMG Guidelines, 2015. Collection method: clinical testing. Allele origin: germline. Observed: 1 variant allele.
Comment: PM2_supporting, PVS1_moderate